The following is an entry in ClinVar:

NM_004341.5(CAD):c.4999C>T (p.Arg1667Cys)

Gene: CAD (carbamoyl-phosphate synthetase 2, aspartate transcarbamylase, and dihydroorotase; plus strand). Cytogenetic location: 2p23.3.
Variant type: single nucleotide variant.
Coding change: c.4999C>T on transcript NM_004341.5 (MANE Select); coding-DNA position 4999, C replaced by T.
Protein change: p.Arg1667Cys; replaces arginine 1667 with cysteine.
Molecular consequence: missense variant.
Genome position (GRCh38, 1-based): chr2:27,238,569, C>T. VCF-style: chr2-27238569-C-T. GRCh37 (hg19) VCF-style: chr2-27461437-C-T.
Other names: c.4810C>T, p.Arg1604Cys (NM_001306079.2); short protein forms R1604C, R1667C.
Identifiers: ClinVar variation 5033656 (VCV005033656.1).

ClinVar aggregate classification (germline): Uncertain significance (1 of 4 stars; one submission).

Conditions:
Inborn genetic diseases. Identifiers: MedGen C0950123, MeSH D030342.

gnomAD v4.1: 9 of 1,613,938 alleles (0.00056%); highest among the groups gnomAD compares: East Asian, 0.0022%; no homozygotes.

Submission:

Ambry Genetics
Classification: Uncertain significance for Inborn genetic diseases. Last evaluated: 2026-09-01. Review status: criteria provided, single submitter. Criteria: Ambry Variant Classification Scheme 2023. Collection method: clinical testing. Allele origin: germline.
Comment: The c.4999C>T (p.R1667C) alteration is located in exon 31 (coding exon 31) of the CAD gene. This alteration results from a C to T substitution at nucleotide position 4999, causing the arginine (R) at amino acid position 1667 to be replaced by a cysteine (C). Based on data from gnomAD, the T allele has an overall frequency of 0.002% (4/250338) total alleles studied. The highest observed frequency was 0.006% (1/16252) of African alleles. Based on insufficient or conflicting evidence, the clinical significance of this alteration remains unclear.